The following is an entry in ClinVar:

NM_001243133.2(NLRP3):c.1365C>A (p.Ser455Arg)

Gene: NLRP3 (NLR family pyrin domain containing 3; plus strand). Cytogenetic location: 1q44.
Variant type: single nucleotide variant.
Coding change: c.1365C>A on transcript NM_001243133.2 (MANE Select); coding-DNA position 1365, C replaced by A.
Protein change: p.Ser455Arg; replaces serine 455 with arginine.
Molecular consequence: missense variant.
Genome position (GRCh38, 1-based): chr1:247,424,814, C>A. VCF-style: chr1-247424814-C-A. GRCh37 (hg19) VCF-style: chr1-247588116-C-A.
Other names: c.1365C>A, p.Ser455Arg (NM_001079821.3, NM_001127461.3, NM_001127462.3 and 1 more transcripts); c.1371C>A, p.Ser457Arg (NM_004895.5); short protein forms S455R, S457R.
Identifiers: ClinVar variation 1420378 (VCV001420378.6), dbSNP rs777985232, ClinGen allele CA1495017.
Genomic context (GRCh38, chr1:247,424,814, plus strand): 5'-GACCACCACCGCGGTGTACGTCTTCTTCCTTTCCAGTTTGCTGCAGCCCCGGGGAGGGAG[C>A]CAGGAGCACGGCCTCTGCGCCCACCTCTGGGGGCTCTGCTCTTTGGCTGCAGATGGAATC-3'
Protein context (NP_001230062.1, residues 445-465): LSSLLQPRGG[Ser455Arg]QEHGLCAHLW

ClinVar aggregate classification (germline): Uncertain significance (1 of 4 stars; one submission).

Conditions:
Cryopyrin associated periodic syndrome (CAPS). Identifiers: Orphanet 208650, MedGen C2316212, MONDO:0016168.

Allele frequency attached by ClinVar (database versions not stated): gnomAD exomes below 0.00001; ExAC 0.00001.
gnomAD v4.1: 3 of 1,608,448 alleles (0.00019%); highest among the groups gnomAD compares: Admixed American, 0.0017%; no homozygotes.

Submission:

Labcorp Genetics (formerly Invitae), Labcorp
Classification: Uncertain significance for Cryopyrin associated periodic syndrome. Last evaluated: 2024-12-02. Review status: criteria provided, single submitter. Criteria: Invitae Variant Classification Sherloc (09022015). Collection method: clinical testing. Allele origin: germline.
Comment: This sequence change replaces serine, which is neutral and polar, with arginine, which is basic and polar, at codon 457 of the NLRP3 protein (p.Ser457Arg). This variant is present in population databases (rs777985232, gnomAD 0.003%). This variant has not been reported in the literature in individuals affected with NLRP3-related conditions. ClinVar contains an entry for this variant (Variation ID: 1420378). Invitae Evidence Modeling of protein sequence and biophysical properties (such as structural, functional, and spatial information, amino acid conservation, physicochemical variation, residue mobility, and thermodynamic stability) indicates that this missense variant is not expected to disrupt NLRP3 protein function with a negative predictive value of 95%. In summary, the available evidence is currently insufficient to determine the role of this variant in disease. Therefore, it has been classified as a Variant of Uncertain Significance.